The following is an entry in ClinVar:

NM_052874.5(STX1B):c.637G>A (p.Asp213Asn)

Gene: STX1B (syntaxin 1B; minus strand). Cytogenetic location: 16p11.2.
Variant type: single nucleotide variant.
Coding change: c.637G>A on transcript NM_052874.5 (MANE Select); coding-DNA position 637, G replaced by A.
Protein change: p.Asp213Asn; replaces aspartic acid 213 with asparagine.
Molecular consequence: missense variant.
Genome position (GRCh38, 1-based): chr16:30,993,385, C>T on the plus strand (G>A on the coding strand, the complement: STX1B is on the minus strand). VCF-style: chr16-30993385-C-T. GRCh37 (hg19) VCF-style: chr16-31004706-C-T.
Other names: short protein forms D213N.
Identifiers: ClinVar variation 852258 (VCV000852258.9), dbSNP rs769892442, ClinGen allele CA8018307.
Genomic context (GRCh38, chr16:30,993,385, plus strand): 5'-GCATGGGTGGCAGAGCCAGTACCTGGCTCTCTACGAGCATGGCCATGTCCACAAACATAT[C>T]GTGCAGCTCGCGGATGCTGGTCTCCAGCTTGATGATCTCATTGTGCCTCGTCTCAATCTC-3'
Protein context (NP_443106.1, residues 203-223): KLETSIRELH[Asp213Asn]MFVDMAMLVE

ClinVar aggregate classification (germline): Uncertain significance (1 of 4 stars; one submission).

Conditions:
Generalized epilepsy with febrile seizures plus, type 9 (GEFSP9). Also called: GEFS+, TYPE 9. Identifiers: Orphanet 36387, MedGen C4015395, MONDO:0014517, OMIM 616172.

Allele frequency attached by ClinVar (database versions not stated): gnomAD exomes below 0.00001 and 0.00001; ExAC 0.00002.
gnomAD v4.1: 2 of 1,614,164 alleles (0.00012%); highest among the groups gnomAD compares: Non-Finnish European, 0.00017%; no homozygotes.

Submission:

Labcorp Genetics (formerly Invitae), Labcorp
Classification: Uncertain significance for Generalized epilepsy with febrile seizures plus, type 9. Last evaluated: 2022-06-14. Review status: criteria provided, single submitter. Criteria: Invitae Variant Classification Sherloc (09022015). Collection method: clinical testing. Allele origin: germline.
Comment: This variant is present in population databases (rs769892442, gnomAD 0.002%). In summary, the available evidence is currently insufficient to determine the role of this variant in disease. Therefore, it has been classified as a Variant of Uncertain Significance. Algorithms developed to predict the effect of missense changes on protein structure and function are either unavailable or do not agree on the potential impact of this missense change (SIFT: "Tolerated"; PolyPhen-2: "Probably Damaging"; Align-GVGD: "Class C0"). ClinVar contains an entry for this variant (Variation ID: 852258). This missense change has been observed in individual(s) with clinical features of STX1B-related conditions (Invitae). This sequence change replaces aspartic acid, which is acidic and polar, with asparagine, which is neutral and polar, at codon 213 of the STX1B protein (p.Asp213Asn).